The following is an entry in ClinVar:

ClinVar aggregate classification (germline): Uncertain significance (1 of 4 stars; one submission).

Conditions:
Epidermolysis bullosa simplex with nail dystrophy (EBS5D). Identifiers: MedGen C4225309, MONDO:0014661, OMIM 616487.
Epidermolysis bullosa simplex, Ogna type (EBS5A). Also called: EPIDERMOLYSIS BULLOSA SIMPLEX 5A, OGNA TYPE; Pidermolysis bullosa simplex 5A, Ogna type. Identifiers: Orphanet 79401, MedGen C0432317, MONDO:0007555, OMIM 131950.
Epidermolysis bullosa simplex 5C, with pyloric atresia (EBS5C). Also called: PLEC1-Related Epidermolysis Bullosa with Pyloric Atresia; PLEC-Related Epidermolysis Bullosa with Pyloric Atresia; Epidermolysis bullosa simplex with pyloric atresia. Identifiers: Orphanet 158684, MedGen C2677349, MONDO:0012807, OMIM 612138.
Autosomal recessive limb-girdle muscular dystrophy type 2Q (LGMDR17). Also called: MUSCULAR DYSTROPHY, LIMB-GIRDLE, AUTOSOMAL RECESSIVE 17. Identifiers: Orphanet 254361, MedGen C3150989, MONDO:0013390, OMIM 613723.
Epidermolysis bullosa simplex 5B, with muscular dystrophy (EBS5B). Also called: EPIDERMOLYSIS BULLOSA SIMPLEX AND LIMB-GIRDLE MUSCULAR DYSTROPHY; Epidermolysis bullosa simplex with muscular dystrophy. Identifiers: Orphanet 257, MedGen C2931072, MONDO:0009181, OMIM 226670.

Allele frequency attached by ClinVar (database versions not stated): gnomAD exomes below 0.00001; TOPMed below 0.00001; gnomAD 0.00001; 1000 Genomes Project 30x 0.00016; 1000 Genomes Project 0.00020.
gnomAD v4.1: 2 of 1,534,448 alleles (0.00013%); highest among the groups gnomAD compares: African/African-American, 0.0027%; no homozygotes.

Submission:

Labcorp Genetics (formerly Invitae), Labcorp
Classification: Uncertain significance for Autosomal recessive limb-girdle muscular dystrophy type 2Q; Epidermolysis bullosa simplex, Ogna type; Epidermolysis bullosa simplex with nail dystrophy; Epidermolysis bullosa simplex 5C, with pyloric atresia; Epidermolysis bullosa simplex 5B, with muscular dystrophy. Last evaluated: 2023-06-23. Review status: criteria provided, single submitter. Criteria: Invitae Variant Classification Sherloc (09022015). Collection method: clinical testing. Allele origin: germline.
Comment: In summary, the available evidence is currently insufficient to determine the role of this variant in disease. Therefore, it has been classified as a Variant of Uncertain Significance. Experimental studies and prediction algorithms are not available or were not evaluated, and the functional significance of this variant is currently unknown. This variant has not been reported in the literature in individuals affected with PLEC-related conditions. This variant is not present in population databases (gnomAD no frequency). This sequence change replaces glutamic acid, which is acidic and polar, with alanine, which is neutral and non-polar, at codon 1779 of the PLEC protein (p.Glu1779Ala).

NM_201384.3(PLEC):c.5255A>C (p.Glu1752Ala)

Gene: PLEC (plectin; minus strand). Cytogenetic location: 8q24.3.
Variant type: single nucleotide variant.
Coding change: c.5255A>C on transcript NM_201384.3 (MANE Select); coding-DNA position 5255, A replaced by C.
Protein change: p.Glu1752Ala; replaces glutamic acid 1752 with alanine.
Molecular consequence: missense variant. On other transcripts: intron variant (1).
Genome position (GRCh38, 1-based): chr8:143,924,674, T>G on the plus strand (A>C on the coding strand, the complement: PLEC is on the minus strand). VCF-style: chr8-143924674-T-G. GRCh37 (hg19) VCF-style: chr8-144998842-T-G.
Other names: c.5336A>C, p.Glu1779Ala (NM_000445.5); c.5213A>C, p.Glu1738Ala (NM_201378.4); c.5189A>C, p.Glu1730Ala (NM_201379.3); c.5666A>C, p.Glu1889Ala (NM_201380.4); c.5159A>C, p.Glu1720Ala (NM_201381.3); c.5255A>C, p.Glu1752Ala (NM_201382.4); c.5267A>C, p.Glu1756Ala (NM_201383.3); c.4125+2110A>C (NM_001410941.1); short protein forms E1720A, E1752A, E1756A, E1889A, E1730A, E1738A, E1779A.
Identifiers: ClinVar variation 2925506 (VCV002925506.3), dbSNP rs537988008, ClinGen allele CA187616119.
Genomic context (GRCh38, chr8:143,924,674, plus strand): 5'-GCCTTGCTGGCCAGCAGCACCTCCATCTCGGCCCGCACCTTGGCCAGCTCGGCTTCCAGC[T>G]CCTGCCGTTTCTGCGTGGCTGCAGCCGCCTCACGCTGCAGCCGGGCCAGCTCCTCCTCCA-3'
Protein context (NP_958786.1, residues 1742-1762): EAAAATQKRQ[Glu1752Ala]LEAELAKVRA